The following is an entry in ClinVar:

ClinVar aggregate classification (germline): Uncertain significance (1 of 4 stars; one submission).

Conditions:
Joubert syndrome 25 (JBTS25). Identifiers: Orphanet 475, MedGen C4084842, MONDO:0014770, OMIM 616781.

Allele frequency attached by ClinVar (database versions not stated): gnomAD exomes 0.00005.
gnomAD v4.1: 18 of 1,543,042 alleles (0.0012%); highest among the groups gnomAD compares: Admixed American, 0.0041%; no homozygotes.

Submissions (2):

Labcorp Genetics (formerly Invitae), Labcorp
Classification: Uncertain significance for Joubert syndrome 25. Last evaluated: 2021-06-13. Review status: criteria provided, single submitter. Criteria: Invitae Variant Classification Sherloc (09022015). Collection method: clinical testing. Allele origin: germline.
Comment: In summary, the available evidence is currently insufficient to determine the role of this variant in disease. Therefore, it has been classified as a Variant of Uncertain Significance. Nucleotide substitutions within the consensus splice site are a relatively common cause of aberrant splicing (PMID: 17576681, 9536098). Algorithms developed to predict the effect of sequence changes on RNA splicing suggest that this variant may disrupt the consensus splice site, but this prediction has not been confirmed by published transcriptional studies. This variant has not been reported in the literature in individuals with CEP104-related conditions. This variant is not present in population databases (ExAC no frequency). This sequence change falls in intron 10 of the CEP104 gene. It does not directly change the encoded amino acid sequence of the CEP104 protein. It affects a nucleotide within the consensus splice site of the intron.

Dr. Peter K. Rogan Lab, Western University
No classification provided (evidence only). Condition: Familial cancer of breast. Review status: no classification provided. Collection method: in vitro. Allele origin: not applicable. Functional consequence: skipped exon. Not counted in ClinVar's aggregate classification.

Literature cited by the submitters: PubMed 17576681 (cited by Labcorp Genetics (formerly Invitae), Labcorp); PubMed 9536098 (cited by Labcorp Genetics (formerly Invitae), Labcorp).

NM_014704.4(CEP104):c.1317+3A>T

Gene: CEP104 (centrosomal protein 104; minus strand). Cytogenetic location: 1p36.32.
Variant type: single nucleotide variant.
Coding change: c.1317+3A>T on transcript NM_014704.4 (MANE Select); 3 bases into the intron after coding-DNA position 1317, A replaced by T.
Molecular consequence: intron variant.
Genome position (GRCh38, 1-based): chr1:3,836,492, T>A on the plus strand (A>T on the coding strand, the complement: CEP104 is on the minus strand). VCF-style: chr1-3836492-T-A. GRCh37 (hg19) VCF-style: chr1-3753056-T-A.
Identifiers: ClinVar variation 1378023 (VCV001378023.6), dbSNP rs35165199, ClinGen allele CA17084562.